The following is an entry in ClinVar:

NM_001130438.3(SPTAN1):c.4297G>C (p.Ala1433Pro)

Gene: SPTAN1 (spectrin alpha, non-erythrocytic 1; plus strand). Cytogenetic location: 9q34.11.
Variant type: single nucleotide variant.
Coding change: c.4297G>C on transcript NM_001130438.3 (MANE Select); coding-DNA position 4297, G replaced by C.
Protein change: p.Ala1433Pro; replaces alanine 1433 with proline.
Molecular consequence: missense variant.
Genome position (GRCh38, 1-based): chr9:128,608,002, G>C. VCF-style: chr9-128608002-G-C. GRCh37 (hg19) VCF-style: chr9-131370281-G-C.
Other names: c.4297G>C, p.Ala1433Pro (NM_001375311.2, NM_001375313.1, NM_003127.4 and 2 more transcripts); c.4333G>C, p.Ala1445Pro (NM_001375312.2, NM_001375318.1); c.4237G>C, p.Ala1413Pro (NM_001375314.2, NM_001195532.2, NM_001363765.2); short protein forms A1433P, A1445P, A1413P.
Identifiers: ClinVar variation 1471073 (VCV001471073.9), dbSNP rs1444736163, ClinGen allele CA375066671.

ClinVar aggregate classification (germline): Uncertain significance (1 of 4 stars; one submission).

Conditions:
Early-infantile DEE. Also called: Early infantile epileptic encephalopathy with suppression bursts; Early infantile epileptic encephalopathy; Ohtahara syndrome. Identifiers: Orphanet 1934, MedGen C0393706, MONDO:0800491.

Submission:

Labcorp Genetics (formerly Invitae), Labcorp
Classification: Uncertain significance for Early-infantile DEE. Last evaluated: 2022-08-09. Review status: criteria provided, single submitter. Criteria: Invitae Variant Classification Sherloc (09022015). Collection method: clinical testing. Allele origin: germline.
Comment: In summary, the available evidence is currently insufficient to determine the role of this variant in disease. Therefore, it has been classified as a Variant of Uncertain Significance. Algorithms developed to predict the effect of missense changes on protein structure and function (SIFT, PolyPhen-2, Align-GVGD) all suggest that this variant is likely to be disruptive. ClinVar contains an entry for this variant (Variation ID: 1471073). This variant has not been reported in the literature in individuals affected with SPTAN1-related conditions. This variant is not present in population databases (gnomAD no frequency). This sequence change replaces alanine, which is neutral and non-polar, with proline, which is neutral and non-polar, at codon 1433 of the SPTAN1 protein (p.Ala1433Pro).